The following is an entry in ClinVar:

ClinVar aggregate classification (germline): Likely benign. Review status: criteria provided, multiple submitters, no conflicts (2 of 4 stars). 2 submissions from 2 submitters: Likely benign (2). Last evaluated 2026-08-01.

gnomAD v4.1: 2 of 1,614,202 alleles (0.00012%); highest among the groups gnomAD compares: Admixed American, 0.0033%; no homozygotes.

Submissions (2):

CeGaT Center for Human Genetics Tuebingen
Classification: Likely benign. Last evaluated: 2026-08-01. Review status: criteria provided, single submitter. Criteria: CeGaT Center For Human Genetics Tuebingen Variant Classification Criteria Version 2. Collection method: clinical testing. Allele origin: germline. Affected: yes. Observed: 2 variant alleles.
Comment: ZBTB20: BP4, BP7

Labcorp Genetics (formerly Invitae), Labcorp
Classification: Likely benign. Last evaluated: 2023-07-19. Review status: criteria provided, single submitter. Criteria: Invitae Variant Classification Sherloc (09022015). Collection method: clinical testing. Allele origin: germline.

NM_001348800.3(ZBTB20):c.1446C>T (p.Thr482=)

Gene: ZBTB20 (zinc finger and BTB domain containing 20; minus strand). Cytogenetic location: 3q13.31.
Variant type: single nucleotide variant.
Coding change: c.1446C>T on transcript NM_001348800.3 (MANE Select); coding-DNA position 1446, C replaced by T.
Protein change: p.Thr482=; no amino-acid change (threonine 482 retained).
Molecular consequence: synonymous variant.
Genome position (GRCh38, 1-based): chr3:114,350,632, G>A on the plus strand (C>T on the coding strand, the complement: ZBTB20 is on the minus strand). VCF-style: chr3-114350632-G-A. GRCh37 (hg19) VCF-style: chr3-114069479-G-A.
Other names: c.1446C>T, p.Thr482= (NM_001164342.2, NM_001348803.3, NM_001393393.1 and 1 more transcripts); c.1227C>T, p.Thr409= (NM_001164343.2, NM_001164344.4, NM_001164345.4 and 9 more transcripts).
Identifiers: ClinVar variation 2972075 (VCV002972075.5), dbSNP rs754743360, ClinGen allele CA435196627.